The following is an entry in ClinVar:

NM_025000.4(DCAF17):c.61T>G (p.Phe21Val)

Genes: DCAF17 (DDB1 and CUL4 associated factor 17; plus strand), METTL8 (methyltransferase 8, tRNA N3-cytidine; minus strand). Cytogenetic location: 2q31.1.
Variant type: single nucleotide variant.
Coding change: c.61T>G on transcript NM_025000.4 (MANE Select); coding-DNA position 61, T replaced by G.
Protein change: p.Phe21Val; replaces phenylalanine 21 with valine.
Molecular consequence: missense variant. On other transcripts: non-coding transcript variant (1), intron variant (4).
Genome position (GRCh38, 1-based): chr2:171,434,638, T>G. VCF-style: chr2-171434638-T-G. GRCh37 (hg19) VCF-style: chr2-172291148-T-G.
Other names: c.61T>G, p.Phe21Val (NM_001164821.2); c.8+36A>C (NM_001321161.2, NM_001321158.2, NM_001321157.2); c.-13+36A>C (NM_024770.5); short protein forms F21V.
Identifiers: ClinVar variation 1437925 (VCV001437925.6), dbSNP rs907053017, ClinGen allele CA60805418.

ClinVar aggregate classification (germline): Uncertain significance (1 of 4 stars; one submission).

Conditions:
Woodhouse-Sakati syndrome. Also called: Hypogonadism, Alopecia, Diabetes Mellitus, Mental Retardation, and Extrapyramidal Syndrome; Hypogonadism, diabetes mellitus, alopecia, mental retardation and electrocardiographic abnormalities; EXTRAPYRAMIDAL DISORDER, PROGRESSIVE, WITH PRIMARY HYPOGONADISM, MENTAL RETARDATION, AND ALOPECIA. Identifiers: Orphanet 3464, MedGen C0342286, MONDO:0009419, OMIM 241080.

Allele frequency attached by ClinVar (database versions not stated): TOPMed 0.00001; gnomAD exomes below 0.00001; gnomAD 0.00005.
gnomAD v4.1: 10 of 1,534,094 alleles (0.00065%); highest among the groups gnomAD compares: African/African-American, 0.013%; no homozygotes.

Submission:

Labcorp Genetics (formerly Invitae), Labcorp
Classification: Uncertain significance for Woodhouse-Sakati syndrome. Last evaluated: 2021-09-01. Review status: criteria provided, single submitter. Criteria: Invitae Variant Classification Sherloc (09022015). Collection method: clinical testing. Allele origin: germline.
Comment: This sequence change replaces phenylalanine with valine at codon 21 of the DCAF17 protein (p.Phe21Val). The phenylalanine residue is moderately conserved and there is a small physicochemical difference between phenylalanine and valine. The frequency data for this variant in the population databases is considered unreliable, as metrics indicate insufficient coverage at this position in the ExAC database. This variant has not been reported in the literature in individuals affected with DCAF17-related conditions. Algorithms developed to predict the effect of missense changes on protein structure and function are either unavailable or do not agree on the potential impact of this missense change (SIFT: "Deleterious"; PolyPhen-2: "Possibly Damaging"; Align-GVGD: "Class C0"). In summary, the available evidence is currently insufficient to determine the role of this variant in disease. Therefore, it has been classified as a Variant of Uncertain Significance.